The following is an entry in ClinVar:

NM_001009944.3(PKD1):c.2730C>T (p.Asp910=)

Gene: PKD1 (polycystin 1, transient receptor potential channel interacting; minus strand). Cytogenetic location: 16p13.3.
Variant type: single nucleotide variant.
Coding change: c.2730C>T on transcript NM_001009944.3 (MANE Select); coding-DNA position 2730, C replaced by T.
Protein change: p.Asp910=; no amino-acid change (aspartic acid 910 retained).
Molecular consequence: synonymous variant.
Genome position (GRCh38, 1-based): chr16:2,114,293, G>A on the plus strand (C>T on the coding strand, the complement: PKD1 is on the minus strand). VCF-style: chr16-2114293-G-A. GRCh37 (hg19) VCF-style: chr16-2164294-G-A.
Other names: p.Asp910=; c.2730C>T, p.Asp910= (NM_000296.4).
Identifiers: ClinVar variation 256937 (VCV000256937.19), dbSNP rs35965348, ClinGen allele CA7833116.

ClinVar aggregate classification (germline): Benign. Review status: criteria provided, multiple submitters, no conflicts (2 of 4 stars). 10 submissions from 10 submitters: Benign (9). 1 of the submissions does not count toward it. Last evaluated 2025-03-27.

Conditions:
Autosomal dominant polycystic kidney disease. Identifiers: Orphanet 730, MedGen C0085413, MONDO:0004691.
Polycystic kidney disease, adult type (PKD1). Also called: Polycystic Kidney, Autosomal Dominant; Polycystic Kidney Disease 1, Autosomal Dominant; Polycystic kidney disease 1; Polycystic kidney disease 1, severe; POLYCYSTIC KIDNEY DISEASE 1 WITH OR WITHOUT POLYCYSTIC LIVER DISEASE; POLYCYSTIC KIDNEY DISEASE, ADULT, TYPE I. Identifiers: MedGen C3149841, MONDO:0008263, OMIM 173900.
Polycystic kidney disease. Also called: Polycystic kidney dysplasia; Kidney, Polycystic. Identifiers: MedGen C0022680, MeSH D007690, MONDO:0020642, HP:0000113.

Allele frequency attached by ClinVar (database versions not stated): 1000 Genomes Project 30x 0.02686; 1000 Genomes Project 0.02895; TOPMed 0.04154; gnomAD 0.04987 and 0.05024; ESP Exome Variant Server 0.05328; gnomAD exomes 0.05452 and 0.06349; ExAC 0.05575.
gnomAD v4.1: 99,809 of 1,610,168 alleles (6.2%); highest among the groups gnomAD compares: Non-Finnish European, 6.7%; 3,487 homozygotes.

Submissions (10):

Women's Health and Genetics/Laboratory Corporation of America, LabCorp
Classification: Benign. Last evaluated: 2025-03-27. Review status: criteria provided, single submitter. Criteria: LabCorp Variant Classification Summary - May 2015. Collection method: clinical testing. Allele origin: germline.

Blueprint Genetics
Classification: Benign. Last evaluated: 2024-11-27. Review status: criteria provided, single submitter. Criteria: ACMG Guidelines, 2015. Collection method: clinical testing. Allele origin: germline.

Mayo Clinic Laboratories, Mayo Clinic
Classification: Benign. Last evaluated: 2022-11-15. Review status: criteria provided, single submitter. Criteria: ACMG Guidelines, 2015. Collection method: clinical testing. Allele origin: germline. Observed: 68 variant alleles.

ARUP Laboratories, Molecular Genetics and Genomics, ARUP Laboratories
Classification: Benign for Polycystic kidney disease, adult type. Last evaluated: 2020-04-22. Review status: criteria provided, single submitter. Criteria: ARUP Molecular Germline Variant Investigation Process. Collection method: clinical testing. Allele origin: germline.

GeneDx
Classification: Benign. Last evaluated: 2019-10-03. Review status: criteria provided, single submitter. Criteria: GeneDx Variant Classification Process June 2021. Collection method: clinical testing. Allele origin: germline. Affected: yes.

Molecular Genetics of Inherited Kidney Disorders Laboratory, Garvan Institute of Medical Research
Classification: Benign for Autosomal dominant polycystic kidney disease. Last evaluated: 2019-01-01. Review status: criteria provided, single submitter. Criteria: ACMG Guidelines, 2015. Collection method: research. Allele origin: germline. Affected: yes.

Athena Diagnostics
Classification: Benign for Polycystic kidney disease, adult type. Last evaluated: 2017-06-09. Review status: criteria provided, single submitter. Criteria: Athena Diagnostics Criteria. Collection method: clinical testing. Allele origin: germline.

Breakthrough Genomics
Classification: Benign. Review status: criteria provided, single submitter. Criteria: ACMG Guidelines, 2015. Collection method: not provided. Allele origin: germline. Inheritance: Autosomal dominant inheritance. Affected: yes.

PreventionGenetics, part of Exact Sciences
Classification: Benign. Review status: criteria provided, single submitter. Criteria: ACMG Guidelines, 2015. Collection method: clinical testing. Allele origin: germline.

Department of Pathology and Laboratory Medicine, Sinai Health System
Classification: Benign for Polycystic Kidney disease. Review status: no assertion criteria provided. Collection method: clinical testing. Allele origin: unknown. Affected: yes. Observed: 1 variant allele. Study: The Canadian Open Genetics Repository (COGR). Not counted in ClinVar's aggregate classification.
Comment: Thec.2730C>T, p.Asp910Asp variant was identified in 5.5% of 6399 control alleles in the Exome Aggregation Consortium (March 14, 2016). According to ACMG guidelines for variant classification based on allele frequency, category BA1, this variant is considered benign and has not been further reviewed (Richards 2015).